The following is an entry in ClinVar:

ClinVar aggregate classification (germline): Uncertain significance (1 of 4 stars; one submission).

Conditions:
EGFR-related lung cancer (EGFR). Identifiers: MedGen CN130014.

Submission:

Labcorp Genetics (formerly Invitae), Labcorp
Classification: Uncertain significance for EGFR-related lung cancer. Last evaluated: 2024-02-01. Review status: criteria provided, single submitter. Criteria: Invitae Variant Classification Sherloc (09022015). Collection method: clinical testing. Allele origin: germline.
Comment: This sequence change replaces glutamic acid, which is acidic and polar, with lysine, which is basic and polar, at codon 736 of the EGFR protein (p.Glu736Lys). This variant is not present in population databases (gnomAD no frequency). This variant has not been reported in the literature in individuals affected with EGFR-related conditions. ClinVar contains an entry for this variant (Variation ID: 1036205). Advanced modeling of protein sequence and biophysical properties (such as structural, functional, and spatial information, amino acid conservation, physicochemical variation, residue mobility, and thermodynamic stability) performed at Invitae indicates that this missense variant is not expected to disrupt EGFR protein function with a negative predictive value of 80%. In summary, the available evidence is currently insufficient to determine the role of this variant in disease. Therefore, it has been classified as a Variant of Uncertain Significance.

NM_005228.5(EGFR):c.2206G>A (p.Glu736Lys)

Gene: EGFR (epidermal growth factor receptor; plus strand). Cytogenetic location: 7p11.2.
Variant type: single nucleotide variant.
Coding change: c.2206G>A on transcript NM_005228.5 (MANE Select); coding-DNA position 2206, G replaced by A.
Protein change: p.Glu736Lys; replaces glutamic acid 736 with lysine.
Molecular consequence: missense variant.
Genome position (GRCh38, 1-based): chr7:55,174,743, G>A. VCF-style: chr7-55174743-G-A. GRCh37 (hg19) VCF-style: chr7-55242436-G-A.
Other names: c.2071G>A, p.Glu691Lys (NM_001346897.2, NM_001346899.2); c.2206G>A, p.Glu736Lys (NM_001346898.2); c.2047G>A, p.Glu683Lys (NM_001346900.2); c.1405G>A, p.Glu469Lys (NM_001346941.2); short protein forms E736K, E469K, E683K, E691K.
Identifiers: ClinVar variation 1036205 (VCV001036205.8), dbSNP rs1786515266, ClinGen allele CA367584022.